The following is an entry in ClinVar:

NM_015102.5(NPHP4):c.811-30C>T

Gene: NPHP4 (nephrocystin 4; minus strand). Cytogenetic location: 1p36.31.
Variant type: single nucleotide variant.
Coding change: c.811-30C>T on transcript NM_015102.5 (MANE Select); 30 bases into the intron before coding-DNA position 811, C replaced by T.
Molecular consequence: intron variant.
Genome position (GRCh38, 1-based): chr1:5,948,281, G>A on the plus strand (C>T on the coding strand, the complement: NPHP4 is on the minus strand). VCF-style: chr1-5948281-G-A. GRCh37 (hg19) VCF-style: chr1-6008341-G-A.
Other names: p.?; c.-556-30C>T (NM_001291594.2, NM_001291593.2).
Identifiers: ClinVar variation 4684259 (VCV004684259.1).
Genomic context (GRCh38, chr1:5,948,281, plus strand): 5'-CCAGGGCACCACCGTCCAGTGGGCCACATCCCTGGAAGAGGCACAGAAGGAATGAGCCCC[G>A]GCACAGACGGAAAGAGGGAGCTCGCCAGAAGTCCCTGGGGGAGGCGAGCAGAGAGAAGAA-3'

ClinVar aggregate classification (germline): Likely benign (1 of 4 stars; one submission).

gnomAD v4.1: 1,967 of 1,499,998 alleles (0.13%); highest among the groups gnomAD compares: African/African-American, 0.8%; 6 homozygotes.

Submission:

Mayo Clinic Laboratories, Mayo Clinic
Classification: Likely benign. Last evaluated: 2025-08-26. Review status: criteria provided, single submitter. Criteria: ACMG Guidelines, 2015. Collection method: clinical testing. Allele origin: germline. Observed: 2 variant alleles.
Comment: BS1, BP4, BP7